The following is an entry in ClinVar:

ClinVar aggregate classification (germline): Benign/Likely benign. Review status: criteria provided, multiple submitters, no conflicts (2 of 4 stars). 3 submissions from 3 submitters: Benign (1); Likely benign (2). Last evaluated 2026-01-27.

Conditions:
Oligodontia-cancer predisposition syndrome. Also called: TOOTH AGENESIS-COLORECTAL CANCER SYNDROME. Identifiers: Orphanet 300576, MedGen C1837750, MONDO:0012075, OMIM 608615. Disease mechanism: loss of function.
Hereditary cancer-predisposing syndrome. Also called: Neoplastic Syndromes, Hereditary; Tumor predisposition; Hereditary Cancer Syndrome; Hereditary neoplastic syndrome. Identifiers: Orphanet 140162, MedGen C0027672, MeSH D009386, MONDO:0015356.

Allele frequency attached by ClinVar (database versions not stated): gnomAD exomes below 0.00001.
gnomAD v4.1: 2 of 1,614,002 alleles (0.00012%); highest among the groups gnomAD compares: South Asian, 0.0011%; no homozygotes.

Submissions (3):

Ambry Genetics
Classification: Likely benign for Hereditary cancer-predisposing syndrome. Last evaluated: 2026-01-27. Review status: criteria provided, single submitter. Criteria: Ambry Variant Classification Scheme 2023. Collection method: clinical testing. Allele origin: germline.

Myriad Genetics, Inc.
Classification: Benign for Oligodontia-cancer predisposition syndrome. Last evaluated: 2024-07-03. Review status: criteria provided, single submitter. Criteria: Myriad Autosomal Dominant, Autosomal Recessive and X-Linked Classification Criteria (2023). Collection method: clinical testing. Allele origin: unknown.
Comment: This variant is considered benign. This variant is a silent/synonymous amino acid change and it is not expected to impact splicing.

Labcorp Genetics (formerly Invitae), Labcorp
Classification: Likely benign for Oligodontia-cancer predisposition syndrome. Last evaluated: 2023-08-17. Review status: criteria provided, single submitter. Criteria: Invitae Variant Classification Sherloc (09022015). Collection method: clinical testing. Allele origin: germline.

NM_004655.4(AXIN2):c.1572C>T (p.Val524=)

Gene: AXIN2 (axin 2; minus strand). Cytogenetic location: 17q24.1.
Variant type: single nucleotide variant.
Coding change: c.1572C>T on transcript NM_004655.4 (MANE Select); coding-DNA position 1572, C replaced by T.
Protein change: p.Val524=; no amino-acid change (valine 524 retained).
Molecular consequence: synonymous variant.
Genome position (GRCh38, 1-based): chr17:65,537,464, G>A on the plus strand (C>T on the coding strand, the complement: AXIN2 is on the minus strand). VCF-style: chr17-65537464-G-A. GRCh37 (hg19) VCF-style: chr17-63533582-G-A.
Other names: c.1572C>T, p.Val524= (NM_001363813.1); c.1572C>T (NM_004655.3).
Identifiers: ClinVar variation 1145543 (VCV001145543.11), dbSNP rs1567755682, ClinGen allele CA501691253.